The following is an entry in ClinVar:

NM_000203.5(IDUA):c.1727+2T>A

Gene: IDUA (alpha-L-iduronidase; plus strand). Cytogenetic location: 4p16.3.
Variant type: single nucleotide variant.
Coding change: c.1727+2T>A on transcript NM_000203.5 (MANE Select); the canonical splice donor site of the intron after coding-DNA position 1727, T replaced by A.
Molecular consequence: splice donor variant. On other transcripts: non-coding transcript variant (1).
Genome position (GRCh38, 1-based): chr4:1,003,627, T>A. VCF-style: chr4-1003627-T-A. GRCh37 (hg19) VCF-style: chr4-997415-T-A.
Other names: c.1331+2T>A (NM_001363576.1).
Identifiers: ClinVar variation 4817925 (VCV004817925.1).

ClinVar aggregate classification (germline): Pathogenic (1 of 4 stars; one submission).

Conditions:
Mucopolysaccharidosis type 1. Also called: IDUA deficiency; MPS I; Mucopolysaccharidosis Type I. Identifiers: Orphanet 579, MedGen C0023786, MONDO:0001586.

Submission:

Natera, Inc.
Classification: Pathogenic for Mucopolysaccharidosis type I. Last evaluated: 2024-04-15. Review status: criteria provided, single submitter. Criteria: Natera Variant Classification Schema (03/2026). Collection method: clinical testing. Allele origin: germline.
Comment: The c.1727+2T>A variant in IDUA is a canonical splice donor site variant predicted to affect pre-mRNA splicing, which may result in an abnormal transcript and altered protein product. This variant is expected to result in nonsense mediated decay, truncation, or a dysfunctional protein product. This variant is rare in the general population with a frequency below the threshold expected for the associated phenotype(s). This variant has been observed in one or more individuals affected with the associated recessive disease, as either homozygous or compound heterozygous with a second variant (PMID: 15300847). Another variant at this same site results in an alteration predicted to cause a similar molecular effect has been observed in individual(s) with the associated phenotype. Given the available evidence, this variant is classified as Pathogenic.

Literature cited by the submitters: PubMed 15300847.